The following is an entry in ClinVar:

ClinVar aggregate classification (germline): Uncertain significance (1 of 4 stars; one submission).

Submission:

Labcorp Genetics (formerly Invitae), Labcorp
Classification: Uncertain significance. Last evaluated: 2024-07-10. Review status: criteria provided, single submitter. Criteria: Invitae Variant Classification Sherloc (09022015). Collection method: clinical testing. Allele origin: germline.
Comment: This sequence change replaces phenylalanine, which is neutral and non-polar, with leucine, which is neutral and non-polar, at codon 444 of the MMP13 protein (p.Phe444Leu). This variant is present in population databases (no rsID available, gnomAD 0.003%). This variant has not been reported in the literature in individuals affected with MMP13-related conditions. Advanced modeling of protein sequence and biophysical properties (such as structural, functional, and spatial information, amino acid conservation, physicochemical variation, residue mobility, and thermodynamic stability) performed at Invitae indicates that this missense variant is not expected to disrupt MMP13 protein function with a negative predictive value of 80%. In summary, the available evidence is currently insufficient to determine the role of this variant in disease. Therefore, it has been classified as a Variant of Uncertain Significance.

NM_002427.4(MMP13):c.1330T>C (p.Phe444Leu)

Gene: MMP13 (matrix metallopeptidase 13; minus strand). Cytogenetic location: 11q22.2.
Variant type: single nucleotide variant.
Coding change: c.1330T>C on transcript NM_002427.4 (MANE Select); coding-DNA position 1330, T replaced by C.
Protein change: p.Phe444Leu; replaces phenylalanine 444 with leucine.
Molecular consequence: missense variant.
Genome position (GRCh38, 1-based): chr11:102,944,352, A>G on the plus strand (T>C on the coding strand, the complement: MMP13 is on the minus strand). VCF-style: chr11-102944352-A-G. GRCh37 (hg19) VCF-style: chr11-102815081-A-G.
Other names: short protein forms F444L.
Identifiers: ClinVar variation 3614686 (VCV003614686.2).
Genomic context (GRCh38, chr11:102,944,352, plus strand): 5'-GCATGACGCGAACAATACGGTTACTCCAGATGCTGTATTCAAACTGTATGGGTCCGTTGA[A>G]AAAATAGATATAACCTATAAGAAAAAGCATAAAGACAATTTCAGAGTTTGAAAATAATAA-3'
Protein context (NP_002418.1, residues 434-454): VYEKNGYIYF[Phe444Leu]NGPIQFEYSI